The following is an entry in ClinVar:

ClinVar aggregate classification (germline): Benign/Likely benign. Review status: criteria provided, multiple submitters, no conflicts (2 of 4 stars). 7 submissions from 7 submitters: Benign (6); Likely benign (1). Last evaluated 2026-02-01.

Conditions:
Megalencephalic leukoencephalopathy with subcortical cysts. Also called: VAN DER KNAAP DISEASE. Identifiers: Orphanet 2478, MedGen C1858854, MONDO:0011391.

Allele frequency attached by ClinVar (database versions not stated): gnomAD exomes 0.02165 and 0.03857; ESP Exome Variant Server 0.03103; gnomAD 0.05505 and 0.05512; TOPMed 0.05780; 1000 Genomes Project 0.06190; 1000 Genomes Project 30x 0.06246; ExAC 0.20240.

Submissions (7):

Labcorp Genetics (formerly Invitae), Labcorp
Classification: Benign. Last evaluated: 2026-02-01. Review status: criteria provided, single submitter. Criteria: Invitae Variant Classification Sherloc (09022015). Collection method: clinical testing. Allele origin: germline.

Blueprint Genetics
Classification: Likely benign. Last evaluated: 2024-11-27. Review status: criteria provided, single submitter. Criteria: ACMG Guidelines, 2015. Collection method: clinical testing. Allele origin: germline.

Mayo Clinic Laboratories, Mayo Clinic
Classification: Benign. Last evaluated: 2022-03-24. Review status: criteria provided, single submitter. Criteria: ACMG Guidelines, 2015. Collection method: clinical testing. Allele origin: germline. Observed: 48 variant alleles.

GeneDx
Classification: Benign. Last evaluated: 2018-07-21. Review status: criteria provided, single submitter. Criteria: GeneDx Variant Classification Process June 2021. Collection method: clinical testing. Allele origin: germline. Affected: yes.

Illumina Laboratory Services, Illumina
Classification: Benign for Megalencephalic leukoencephalopathy with subcortical cysts. Last evaluated: 2018-01-12. Review status: criteria provided, single submitter. Criteria: ICSL Variant Classification Criteria 13 December 2019. Collection method: clinical testing. Allele origin: germline.
Comment: This variant was observed in the ICSL laboratory as part of a predisposition screen in an ostensibly healthy population. It had not been previously curated by ICSL or reported in the Human Gene Mutation Database (HGMD: prior to June 1st, 2018), and was therefore a candidate for classification through an automated scoring system. Utilizing variant allele frequency, disease prevalence and penetrance estimates, and inheritance mode, an automated score was calculated to assess if this variant is too frequent to cause the disease. Based on the score and internal cut-off values, a variant classified as benign is not then subjected to further curation. The score for this variant resulted in a classification of benign for this disease.

Breakthrough Genomics
Classification: Benign. Review status: criteria provided, single submitter. Criteria: ACMG Guidelines, 2015. Collection method: not provided. Allele origin: germline. Inheritance: Autosomal recessive inheritance. Affected: yes.

PreventionGenetics, part of Exact Sciences
Classification: Benign. Review status: criteria provided, single submitter. Criteria: ACMG Guidelines, 2015. Collection method: clinical testing. Allele origin: germline.

NM_152722.5(HEPACAM):c.971A>G (p.Asn324Ser)

Gene: HEPACAM (hepatic and glial cell adhesion molecule; minus strand). Cytogenetic location: 11q24.2.
Variant type: single nucleotide variant.
Coding change: c.971A>G on transcript NM_152722.5 (MANE Select); coding-DNA position 971, A replaced by G.
Protein change: p.Asn324Ser; replaces asparagine 324 with serine.
Molecular consequence: missense variant.
Genome position (GRCh38, 1-based): chr11:124,921,418, T>C on the plus strand (A>G on the coding strand, the complement: HEPACAM is on the minus strand). VCF-style: chr11-124921418-T-C. GRCh37 (hg19) VCF-style: chr11-124791314-T-C.
Other names: p.Asn324Ser; short protein forms N324S.
Identifiers: ClinVar variation 262683 (VCV000262683.18), dbSNP rs116102273, ClinGen allele CA6345554.
Genomic context (GRCh38, chr11:124,921,418, plus strand): 5'-GGAGACACGGAGTAGCCGGGCGGGCCGGGCTCCGTCGCGCTTCGAGGCTCCGGGGCCGGG[T>C]TCTCCTCGGTCTCCGGGGAGTCCTGCAAGGACACGCGCCGCAGGGGTCAGGGGACAGTCA-3'
Protein context (NP_689935.2, residues 314-334): KDKDSPETEE[Asn324Ser]PAPEPRSATE